The following is an entry in ClinVar:

ClinVar aggregate classification (germline): Uncertain significance. Review status: criteria provided, multiple submitters, no conflicts (2 of 4 stars). 2 submissions from 2 submitters: Uncertain significance (2). Last evaluated 2025-04-14.

Submissions (2):

Ambry Genetics
Classification: Uncertain significance. Last evaluated: 2025-04-14. Review status: criteria provided, single submitter. Criteria: Ambry Variant Classification Scheme 2023. Collection method: clinical testing. Allele origin: germline.
Comment: The p.I78T variant (also known as c.233T>C), located in coding exon 3 of the RINT1 gene, results from a T to C substitution at nucleotide position 233. The isoleucine at codon 78 is replaced by threonine, an amino acid with similar properties. This amino acid position is conserved. In addition, the in silico prediction for this alteration is inconclusive. Since supporting evidence is limited at this time, the clinical significance of this alteration remains unclear.

Labcorp Genetics (formerly Invitae), Labcorp
Classification: Uncertain significance. Last evaluated: 2025-04-14. Review status: criteria provided, single submitter. Criteria: Invitae Variant Classification Sherloc (09022015). Collection method: clinical testing. Allele origin: germline.
Comment: This sequence change replaces isoleucine, which is neutral and non-polar, with threonine, which is neutral and polar, at codon 78 of the RINT1 protein (p.Ile78Thr). This variant is not present in population databases (gnomAD no frequency). This variant has not been reported in the literature in individuals affected with RINT1-related conditions. ClinVar contains an entry for this variant (Variation ID: 1789844). An algorithm developed to predict the effect of missense changes on protein structure and function (PolyPhen-2) suggests that this variant is likely to be disruptive. In summary, the available evidence is currently insufficient to determine the role of this variant in disease. Therefore, it has been classified as a Variant of Uncertain Significance.

NM_021930.6(RINT1):c.233T>C (p.Ile78Thr)

Gene: RINT1 (RAD50 interactor 1; plus strand). Cytogenetic location: 7q22.3.
Variant type: single nucleotide variant.
Coding change: c.233T>C on transcript NM_021930.6 (MANE Select); coding-DNA position 233, T replaced by C.
Protein change: p.Ile78Thr; replaces isoleucine 78 with threonine.
Molecular consequence: missense variant. On other transcripts: 5 prime UTR variant (3), non-coding transcript variant (1), intron variant (1).
Genome position (GRCh38, 1-based): chr7:105,536,709, T>C. VCF-style: chr7-105536709-T-C. GRCh37 (hg19) VCF-style: chr7-105177156-T-C.
Other names: c.-787T>C (NM_001346600.2); c.-690T>C (NM_001346601.2); c.-310T>C (NM_001346603.2); c.39+97T>C (NM_001346599.2); short protein forms I78T.
Identifiers: ClinVar variation 1789844 (VCV001789844.6), dbSNP rs1287705291, ClinGen allele CA368800607.